The following is an entry in ClinVar:

NM_013275.6(ANKRD11):c.1026dup (p.Val343fs)

Gene: ANKRD11 (ankyrin repeat domain 11; minus strand). Cytogenetic location: 16q24.3.
Variant type: Duplication.
Coding change: c.1026dup on transcript NM_013275.6 (MANE Select); coding-DNA position 1026, one base duplicated (C; older notation c.1026dupC).
Protein change: p.Val343fs; shifts the reading frame from valine 343.
Molecular consequence: frameshift variant.
Genome position (GRCh38, 1-based): chr16:89,285,516, G duplicated on the plus strand (C on the coding strand, the reverse complement: ANKRD11 is on the minus strand); the first of 5 consecutive G bases (chr16:89,285,516-89,285,520); duplicating any one gives the same sequence. VCF-style (leftmost placement, unchanged base first): chr16-89285515-C-CG. GRCh37 (hg19) VCF-style: chr16-89351923-C-CG.
Other names: c.1026dup, p.Val343fs (NM_001256182.2, NM_001256183.2); short protein forms V343fs.
Identifiers: ClinVar variation 4686782 (VCV004686782.1).

ClinVar aggregate classification (germline): Pathogenic (1 of 4 stars; one submission).

Submission:

GeneDx
Classification: Pathogenic. Last evaluated: 2025-07-22. Review status: criteria provided, single submitter. Criteria: GeneDx Variant Classification Process June 2021. Collection method: clinical testing. Allele origin: germline. Affected: yes.
Comment: Frameshift variant predicted to result in protein truncation or nonsense mediated decay in a gene for which loss of function is a known mechanism of disease; Not observed at significant frequency in large population cohorts (gnomAD); Has not been previously published as pathogenic or benign to our knowledge